The following is an entry in ClinVar:

NM_080680.3(COL11A2):c.799-13C>T

Gene: COL11A2 (collagen type XI alpha 2 chain; minus strand). Cytogenetic location: 6p21.32.
Variant type: single nucleotide variant.
Coding change: c.799-13C>T on transcript NM_080680.3 (MANE Select); 13 bases into the intron before coding-DNA position 799, C replaced by T.
Molecular consequence: intron variant.
Genome position (GRCh38, 1-based): chr6:33,185,791, G>A on the plus strand (C>T on the coding strand, the complement: COL11A2 is on the minus strand). VCF-style: chr6-33185791-G-A. GRCh37 (hg19) VCF-style: chr6-33153568-G-A.
Other names: c.798+836C>T (NM_080679.3); c.799-737C>T (NM_080681.3).
Identifiers: ClinVar variation 227259 (VCV000227259.9), dbSNP rs876657443, ClinGen allele CA10576690.
Genomic context (GRCh38, chr6:33,185,791, plus strand): 5'-CACATCATAATAGGGGGGCTCGTAGTCATAGTAGAGAGACTCAGTGGGCTGGGATTGGGG[G>A]GTGGGCATAGACAGGAAGGGGATGGGGTAATTGGAAGGTGTGGGGTGAAGGGCGGGAGAG-3'

ClinVar aggregate classification (germline): Likely benign. Review status: criteria provided, multiple submitters, no conflicts (2 of 4 stars). 2 submissions from 2 submitters: Likely benign (2). Last evaluated 2023-01-13.

Submissions (2):

Labcorp Genetics (formerly Invitae), Labcorp
Classification: Likely benign. Last evaluated: 2023-01-13. Review status: criteria provided, single submitter. Criteria: Invitae Variant Classification Sherloc (09022015). Collection method: clinical testing. Allele origin: germline.

Laboratory for Molecular Medicine, Mass General Brigham Personalized Medicine
Classification: Likely benign. Last evaluated: 2015-09-30. Review status: criteria provided, single submitter. Criteria: LMM Criteria. Collection method: clinical testing. Allele origin: germline. Observed: 1 variant allele.
Comment: c.799-13C>T in intron 5 of COL11A2: This variant is not expected to have clinica l significance because a C>T change at this position does not diverge from the s plice consensus sequence and is therefore unlikely to impact splicing.